The following is an entry in ClinVar:

NM_000548.5(TSC2):c.710C>T (p.Pro237Leu)

Gene: TSC2 (TSC complex subunit 2; plus strand). Cytogenetic location: 16p13.3.
Variant type: single nucleotide variant.
Coding change: c.710C>T on transcript NM_000548.5 (MANE Select); coding-DNA position 710, C replaced by T.
Protein change: p.Pro237Leu; replaces proline 237 with leucine.
Molecular consequence: missense variant.
Genome position (GRCh38, 1-based): chr16:2,056,705, C>T. VCF-style: chr16-2056705-C-T. GRCh37 (hg19) VCF-style: chr16-2106706-C-T.
Other names: p.P237L:CCG>CTG; c.710C>T, p.Pro237Leu (NM_001077183.3, NM_001114382.3, NM_001363528.2 and 3 more transcripts); c.599C>T, p.Pro200Leu (NM_001318827.2); c.563C>T, p.Pro188Leu (NM_001318829.2); c.110C>T, p.Pro37Leu (NM_001318831.2); c.743C>T, p.Pro248Leu (NM_001318832.2); c.710C>T (NM_000548.4); short protein forms P237L, P37L, P248L, P188L, P200L.
Identifiers: ClinVar variation 207769 (VCV000207769.26), dbSNP rs139060277, ClinGen allele CA056182.

ClinVar aggregate classification (germline): Conflicting classifications of pathogenicity. Review status: criteria provided, conflicting classifications (1 of 4 stars). 9 submissions from 9 submitters: Uncertain significance (2); Benign (1); Likely benign (5). 1 of the submissions does not count toward it. Last evaluated 2026-02-04.

Conditions:
TSC2-related disorder. Also called: TSC2-related condition; TSC2-Related Disorders.
Hereditary cancer-predisposing syndrome. Also called: Neoplastic Syndromes, Hereditary; Hereditary Cancer Syndrome; Tumor predisposition; Hereditary neoplastic syndrome. Identifiers: Orphanet 140162, MedGen C0027672, MeSH D009386, MONDO:0015356.
Tuberous sclerosis 2 (TSC2). Identifiers: Orphanet 805, MedGen C1860707, MONDO:0013199, OMIM 613254.
Tuberous sclerosis syndrome (TSC). Also called: Tuberous Sclerosis Complex; Tuberous sclerosis. Identifiers: Orphanet 805, MedGen C0041341, MONDO:0001734.

Allele frequency attached by ClinVar (database versions not stated): ExAC 0.00003; gnomAD exomes 0.00003 and 0.00004; TOPMed 0.00006; gnomAD 0.00007; ESP Exome Variant Server 0.00008.
gnomAD v4.1: 60 of 1,612,500 alleles (0.0037%); highest among the groups gnomAD compares: East Asian, 0.016%; no homozygotes.

Submissions (9):

Labcorp Genetics (formerly Invitae), Labcorp
Classification: Likely benign for Tuberous sclerosis 2. Last evaluated: 2026-02-04. Review status: criteria provided, single submitter. Criteria: Invitae Variant Classification Sherloc (09022015). Collection method: clinical testing. Allele origin: germline.

St. Jude Molecular Pathology, St. Jude Children's Research Hospital
Classification: Uncertain significance for Tuberous sclerosis 2. Last evaluated: 2025-06-17. Review status: criteria provided, single submitter. Criteria: St. Jude Assertion Criteria 2020. Collection method: clinical testing. Allele origin: germline.
Comment: The TSC2 c.710C>T p.(Pro237Leu) missense change has a maximum subpopulation frequency of 0.025% in gnomAD v2.1.1. The in silico tool REVEL is inconclusive about a pathogenic or benign effect of this variant on protein function, and to our knowledge functional studies have not been performed. To our knowledge, this variant has not been reported in individuals with tuberous sclerosis complex. In summary, the evidence currently available is insufficient to determine the clinical significance of this variant. It has therefore been classified as of uncertain significance.

Myriad Genetics, Inc.
Classification: Likely benign for Tuberous sclerosis 2. Last evaluated: 2024-08-06. Review status: criteria provided, single submitter. Criteria: Myriad Autosomal Dominant, Autosomal Recessive and X-Linked Classification Criteria (2023). Collection method: clinical testing. Allele origin: unknown.
Comment: This variant is considered likely benign. This variant has been observed at a population frequency that is significantly greater than expected given the associated disease prevalence and penetrance.

Color Diagnostics, LLC DBA Color Health
Classification: Uncertain significance for Tuberous sclerosis syndrome. Last evaluated: 2024-03-25. Review status: criteria provided, single submitter. Criteria: ACMG Guidelines, 2015. Collection method: clinical testing. Allele origin: germline.
Comment: This missense variant replaces proline with leucine at codon 237 of the TSC2 protein. Computational prediction is inconclusive regarding the impact of this variant on protein structure and function. To our knowledge, functional studies have not been reported for this variant. This variant has not been reported in individuals affected with tuberous sclerosis complex in the literature. This variant has been identified in 11/281704 chromosomes in the general population by the Genome Aggregation Database (gnomAD). The available evidence is insufficient to determine the role of this variant in disease conclusively. Therefore, this variant is classified as a Variant of Uncertain Significance.

Ambry Genetics
Classification: Likely benign for Hereditary cancer-predisposing syndrome. Last evaluated: 2021-11-19. Review status: criteria provided, single submitter. Criteria: Ambry Variant Classification Scheme 2023. Collection method: clinical testing. Allele origin: germline.

Genome-Nilou Lab
Classification: Benign for Tuberous sclerosis 2. Last evaluated: 2021-11-07. Review status: criteria provided, single submitter. Criteria: ACMG Guidelines, 2015. Collection method: clinical testing. Allele origin: germline. Affected: no.

Sema4
Classification: Likely benign for Hereditary cancer-predisposing syndrome. Last evaluated: 2021-04-13. Review status: criteria provided, single submitter. Criteria: Sema4 Curation Guidelines. Collection method: curation. Allele origin: germline.

GeneDx
Classification: Likely benign. Last evaluated: 2016-11-09. Review status: criteria provided, single submitter. Criteria: GeneDx Variant Classification (06012015). Collection method: clinical testing. Allele origin: germline. Affected: yes.
Comment: This variant is considered likely benign or benign based on one or more of the following criteria: it is a conservative change, it occurs at a poorly conserved position in the protein, it is predicted to be benign by multiple in silico algorithms, and/or has population frequency not consistent with disease.

PreventionGenetics, part of Exact Sciences
Classification: Likely benign for TSC2-related condition. Last evaluated: 2020-12-16. Review status: no assertion criteria provided. Collection method: clinical testing. Allele origin: germline. Not counted in ClinVar's aggregate classification.
Comment: This variant is classified as likely benign based on ACMG/AMP sequence variant interpretation guidelines (Richards et al. 2015 PMID: 25741868, with internal and published modifications).